The following continues an entry in ClinVar:

NM_000260.4(MYO7A):c.2476G>A (p.Ala826Thr)

Gene: MYO7A. ClinVar aggregate classification (germline): Uncertain significance. Uncertain significance (1).

Submissions 10 to 18 of 18:

Myriad Genetics, Inc.
Classification: Uncertain significance for Usher syndrome type 1. Last evaluated: 2021-09-24. Review status: criteria provided, single submitter. Criteria: Myriad Women's Health Autosomal Recessive and X-Linked Classification Criteria (2021). Collection method: clinical testing. Allele origin: unknown. Not counted in ClinVar's aggregate classification.
Comment: NM_000260.3(MYO7A):c.2476G>A(A826T) is a missense variant classified as a variant of uncertain significance in the context of MYO7A-related disorders. A826T has been observed in cases with relevant disease (PMID: 9382091, 18181211, 22135276, 27460420, 29490346, 23770805, 30881389). Functional assessments of this variant are not available in the literature. A826T has been observed in population frequency databases (gnomAD: SAS 0.65%). In summary, there is insufficient evidence to classify NM_000260.3(MYO7A):c.2476G>A(A826T) as pathogenic or benign. Please note: this variant was assessed in the context of healthy population screening.

CeGaT Center for Human Genetics Tuebingen
Classification: Likely pathogenic. Last evaluated: 2018-11-01. Review status: criteria provided, single submitter. Criteria: CeGaT Center For Human Genetics Tuebingen Variant Classification Criteria Version 2. Collection method: clinical testing. Allele origin: germline. Affected: yes. Observed: 2 variant alleles. Not counted in ClinVar's aggregate classification.

Laboratory for Molecular Medicine, Mass General Brigham Personalized Medicine
Classification: Uncertain significance. Last evaluated: 2017-10-03. Review status: criteria provided, single submitter. Criteria: LMM Criteria. Collection method: clinical testing. Allele origin: germline. Observed: 3 variant alleles. Not counted in ClinVar's aggregate classification.
Comment: proposed classification - variant undergoing re-assessment, contact laboratory

Illumina Laboratory Services, Illumina
Classification: Benign for Autosomal dominant nonsyndromic hearing loss 11. Last evaluated: 2017-04-27. Review status: criteria provided, single submitter. Criteria: ICSL Variant Classification Criteria 13 December 2019. Collection method: clinical testing. Allele origin: germline. Not counted in ClinVar's aggregate classification.
Comment: This variant was observed as part of a predisposition screen in an ostensibly healthy population. A literature search was performed for the gene, cDNA change, and amino acid change (where applicable). No publications were found based on this search. Allele frequency data from public databases was too high to be consistent with this variant causing disease. Therefore, this variant is classified as benign.

Illumina Laboratory Services, Illumina
Classification: Pathogenic for MYO7A-Related Disorders. Last evaluated: 2017-04-27. Review status: criteria provided, single submitter. Criteria: ICSL Variant Classification Criteria 09 May 2019. Collection method: clinical testing. Allele origin: germline. Not counted in ClinVar's aggregate classification.
Comment: The MYO7A c.2476G>A (p.Ala826Thr) missense variant has been reported in six studies in which it is found in a total of 19 patients with Usher syndrome including in 13 in a homozygous state, in five in a compound heterozygous state and in one in a heterozygous state (Adato et al. 1997; Riazuddin et al. 2008; Le Quesne Stabej et al. 2012; Shahzad et al. 2013; Vona et al. 2014; Bonnet et al. 2016). The p.Ala826Thr variant is present in a heterozygous state in two of 1214 control chromosomes and is reported at a frequency of 0.01471 in the Indian Telugu from the UK population of the 1000 Genomes project. The p.Ala826Thr variant is described as being located in the neck of the MYO7A protein within a motif whose sequence matches the consensus sequence of calmodulin-binding IQ motifs and is expected to impair the calmodulin chain-binding function of the protein. Based on the evidence, the p.Ala826Thr is classified as pathogenic for Usher Syndrome. This variant was observed by ICSL as part of a predisposition screen in an ostensibly healthy population.

Baylor Genetics
Classification: Uncertain significance for Autosomal recessive nonsyndromic hearing loss 2. Review status: criteria provided, single submitter. Criteria: ACMG Guidelines, 2015. Collection method: clinical testing. Allele origin: unknown. Not counted in ClinVar's aggregate classification.

Natera, Inc.
Classification: Uncertain significance for Usher syndrome type 1B. Last evaluated: 2020-09-16. Review status: no assertion criteria provided. Collection method: clinical testing. Allele origin: germline. Not counted in ClinVar's aggregate classification.

Sharon lab, Hadassah-Hebrew University Medical Center
Classification: Likely pathogenic for Usher syndrome type 1. Last evaluated: 2019-06-23. Review status: no assertion criteria provided. Collection method: research. Allele origin: inherited. Affected: yes. Not counted in ClinVar's aggregate classification.

Baylor Genetics
Classification: Uncertain significance for Usher syndrome type 1. Review status: no assertion criteria provided. Collection method: clinical testing. Allele origin: unknown. Not counted in ClinVar's aggregate classification.

Literature cited by the submitters: PubMed 23770805 (cited by 5 submitters); PubMed 27460420 (cited by 4 submitters); PubMed 9382091 (cited by 7 submitters); PubMed 29490346 (cited by 4 submitters); PubMed 18181211 (cited by 5 submitters); PubMed 22135276 (cited by 6 submitters); PubMed 38378725 (cited by Women's Health and Genetics/Laboratory Corporation of America, LabCorp); PubMed 30881389 (cited by Myriad Genetics, Inc.); PubMed 24875298 (cited by Laboratory for Molecular Medicine, Mass General Brigham Personalized Medicine and Illumina Laboratory Services, Illumina); PubMed 30245029 (cited by Baylor Genetics).